The following is an entry in ClinVar:

NM_018163.3(DNAJC17):c.461G>A (p.Arg154His)

Gene: DNAJC17 (DnaJ heat shock protein family (Hsp40) member C17; minus strand). Cytogenetic location: 15q15.1.
Variant type: single nucleotide variant.
Coding change: c.461G>A on transcript NM_018163.3 (MANE Select); coding-DNA position 461, G replaced by A.
Protein change: p.Arg154His; replaces arginine 154 with histidine.
Molecular consequence: missense variant.
Genome position (GRCh38, 1-based): chr15:40,776,213, C>T on the plus strand (G>A on the coding strand, the complement: DNAJC17 is on the minus strand). VCF-style: chr15-40776213-C-T. GRCh37 (hg19) VCF-style: chr15-41068411-C-T.
Other names: short protein forms R154H.
Identifiers: ClinVar variation 1919867 (VCV001919867.5), dbSNP rs563534178, ClinGen allele CA7485144.
Genomic context (GRCh38, chr15:40,776,213, plus strand): 5'-GAGCTACCTTGGAGGGGAGATAGGCGGGGTGATAGACCTGCACCTCTCAACCTCTGGTCA[C>T]GCTCCTGGCGTATCTGCTCCCGGATGAGCCTCTGCTGTTCCTCCAGCTGCCGGGAACCCT-3'
Protein context (NP_060633.1, residues 144-164): RLIREQIRQE[Arg154His]DQRLRGKAEN

ClinVar aggregate classification (germline): Uncertain significance (1 of 4 stars; one submission).

Allele frequency attached by ClinVar (database versions not stated): ExAC 0.00001; TOPMed 0.00001; gnomAD 0.00002; 1000 Genomes Project 0.00020; 1000 Genomes Project 30x 0.00031.
gnomAD v4.1: 14 of 1,613,948 alleles (0.00087%); highest among the groups gnomAD compares: African/African-American, 0.0053%; no homozygotes.

Submission:

Labcorp Genetics (formerly Invitae), Labcorp
Classification: Uncertain significance. Last evaluated: 2022-10-24. Review status: criteria provided, single submitter. Criteria: Invitae Variant Classification Sherloc (09022015). Collection method: clinical testing. Allele origin: germline.
Comment: In summary, the available evidence is currently insufficient to determine the role of this variant in disease. Therefore, it has been classified as a Variant of Uncertain Significance. Algorithms developed to predict the effect of missense changes on protein structure and function output the following: SIFT: "Tolerated"; PolyPhen-2: "Benign"; Align-GVGD: "Class C0". The histidine amino acid residue is found in multiple mammalian species, which suggests that this missense change does not adversely affect protein function. This variant has not been reported in the literature in individuals affected with DNAJC17-related conditions. This variant is present in population databases (rs563534178, gnomAD 0.007%). This sequence change replaces arginine, which is basic and polar, with histidine, which is basic and polar, at codon 154 of the DNAJC17 protein (p.Arg154His).